The following is an entry in ClinVar:

ClinVar aggregate classification (germline): Uncertain significance (1 of 4 stars; one submission).

Conditions:
Hypertrophic cardiomyopathy. Also called: HYPERTROPHIC MYOCARDIOPATHY. Identifiers: Orphanet 217569, MedGen C0007194, MeSH D002312, MONDO:0005045, HP:0001639.

Submission:

All of Us Research Program, National Institutes of Health
Classification: Uncertain significance for Hypertrophic cardiomyopathy. Last evaluated: 2023-11-20. Review status: criteria provided, single submitter. Criteria: ACMG Guidelines, 2015. Collection method: clinical testing. Allele origin: germline. Inheritance: Autosomal dominant inheritance. Observed: 1 variant allele, 1 heterozygote.
Comment: This variant deletes 1 nucleotide in exon 9 of the TPM1 gene, creating a frameshift and premature translation stop signal. This variant is expected to result in an absent or non-functional protein product. To our knowledge, this variant has not been reported in individuals affected with TPM1-related disorders in the literature. This variant has been identified in 1/250560 chromosomes in the general population by the Genome Aggregation Database (gnomAD). Clinical relevance of loss-of-function TPM1 truncation variants in autosomal dominant cardiovascular disorders is not clearly established. The available evidence is insufficient to determine the role of this variant in disease conclusively. Therefore, this variant is classified as a Variant of Uncertain Significance.

This study involves interpretation of variants in research participants for the purpose of population health screening. Participant phenotype was not available at the time of variant classification. Additional details can be found in publication PMID: 35346344, PMCID: PMC8962531

NM_001018005.2(TPM1):c.849del (p.Ile284fs)

Gene: TPM1 (tropomyosin 1; plus strand). Cytogenetic location: 15q22.2.
Variant type: Deletion.
Coding change: c.849del on transcript NM_001018005.2 (MANE Select); coding-DNA position 849, one base deleted (C; older notation c.849delC).
Protein change: p.Ile284fs; shifts the reading frame from isoleucine 284.
Molecular consequence: frameshift variant. On other transcripts: 3 prime UTR variant (3), non-coding transcript variant (7), intron variant (18).
Genome position (GRCh38, 1-based): chr15:63,064,140, C deleted; the last of 2 consecutive C bases (chr15:63,064,139-63,064,140); deleting either gives the same sequence. VCF-style (leftmost placement, unchanged base first): chr15-63064138-TC-T. GRCh37 (hg19) VCF-style: chr15-63356337-TC-T.
Other names: c.849del, p.Met284fs (NM_000366.6, NM_001365779.1, NM_001407330.1 and 4 more transcripts); c.849del, p.Ile284fs (NM_001301244.2, NM_001407329.1, NM_001407331.1); c.741del, p.Ile248fs (NM_001330346.2, NM_001407344.1); c.741del, p.Met248fs (NM_001365781.2, NM_001365782.1); c.975del, p.Ile326fs (NM_001407322.1); c.975del, p.Met326fs (NM_001407323.1, NM_001407324.1); c.*1331del (NM_001407325.1, NM_001407340.1, NM_001407341.1); c.849del, p.Ser283_Ile284insTer (NM_001407326.1); and 3 more; short protein forms I248fs, I284fs, I326fs, M248fs, M284fs, M326fs.
Identifiers: ClinVar variation 3074587 (VCV003074587.1), dbSNP rs775857037, ClinGen allele CA032244.
Genomic context (GRCh38, chr15:63,064,138, plus strand): 5'-CAGAAACTGAAGTACAAAGCCATCAGCGAGGAGCTGGACCACGCTCTCAACGATATGACT[TC>T]CATGTAAACGTTCATCCACTCTGCCTGCTTACACCCTGCCCTCATGCTAATGTAATAAAC-3'